The following is an entry in ClinVar:

NM_000214.3(JAG1):c.571T>A (p.Tyr191Asn)

Gene: JAG1 (jagged canonical Notch ligand 1; minus strand). Cytogenetic location: 20p12.2.
Variant type: single nucleotide variant.
Coding change: c.571T>A on transcript NM_000214.3 (MANE Select); coding-DNA position 571, T replaced by A.
Protein change: p.Tyr191Asn; replaces tyrosine 191 with asparagine.
Molecular consequence: missense variant.
Genome position (GRCh38, 1-based): chr20:10,658,591, A>T on the plus strand (T>A on the coding strand, the complement: JAG1 is on the minus strand). VCF-style: chr20-10658591-A-T. GRCh37 (hg19) VCF-style: chr20-10639239-A-T.
Other names: short protein forms Y191N.
Identifiers: ClinVar variation 3573336 (VCV003573336.2).

Conditions:
Arteriohepatic dysplasia. Also called: Alagille Syndrome. Identifiers: Orphanet 52, MedGen C0085280, MeSH D016738, MONDO:0007318.

Submission:

Gilbert/Spinner Lab, Children's Hospital of Philadelphia
No classification provided (evidence only). Condition: Alagille syndrome. Review status: no classification provided. Collection method: research. Allele origin: not applicable. Functional consequence: functionally_abnormal.
ClinVar note: "not provided" was previously submitted as the classification for the variant. However, the classification appeared to be based only on an observation of functional data so it was converted to no classification on 2025-07-30.